The following is an entry in ClinVar:

NM_001199138.2(NLRC4):c.2876G>C (p.Gly959Ala)

Gene: NLRC4 (NLR family CARD domain containing 4; minus strand). Cytogenetic location: 2p22.3.
Variant type: single nucleotide variant.
Coding change: c.2876G>C on transcript NM_001199138.2 (MANE Select); coding-DNA position 2876, G replaced by C.
Protein change: p.Gly959Ala; replaces glycine 959 with alanine.
Molecular consequence: missense variant.
Genome position (GRCh38, 1-based): chr2:32,224,672, C>G on the plus strand (G>C on the coding strand, the complement: NLRC4 is on the minus strand). VCF-style: chr2-32224672-C-G. GRCh37 (hg19) VCF-style: chr2-32449741-C-G.
Other names: c.2876G>C, p.Gly959Ala (NM_001199139.2, NM_021209.5); c.881G>C, p.Gly294Ala (NM_001302504.2); short protein forms G294A, G959A.
Identifiers: ClinVar variation 971521 (VCV000971521.13), dbSNP rs147026757, ClinGen allele CA1601654.
Genomic context (GRCh38, chr2:32,224,672, plus strand): 5'-GGTAGAAATTCTTTAGTACTAAAGTCAAAAAACACTAATTGCTTAAGATTCTCAAATACA[C>G]CCATGAAGGCAAGCCATCCATCACTGCTCACACGATTTCCCGCCAAATTCAACTGCTGGA-3'
Protein context (NP_001186067.1, residues 949-969): VSSDGWLAFM[Gly959Ala]VFENLKQLVF

ClinVar aggregate classification (germline): Conflicting classifications of pathogenicity. Review status: criteria provided, conflicting classifications (1 of 4 stars). 5 submissions from 5 submitters: Uncertain significance (4); Likely benign (1). Last evaluated 2026-01-19.

Conditions:
Inborn genetic diseases. Identifiers: MedGen C0950123, MeSH D030342.
Periodic fever-infantile enterocolitis-autoinflammatory syndrome. Also called: Autoinflammation with infantile enterocolitis. Identifiers: Orphanet 436166, MedGen C4015067, MONDO:0014472, OMIM 616050.
Familial cold autoinflammatory syndrome 4 (FCAS4). Identifiers: Orphanet 47045, Orphanet 576349, MedGen C4015276, MONDO:0014498, OMIM 616115.

Allele frequency attached by ClinVar (database versions not stated): gnomAD exomes 0.00001; ExAC 0.00003; gnomAD 0.00011 and 0.00013; TOPMed 0.00015; ESP Exome Variant Server 0.00023.
gnomAD v4.1: 32 of 1,612,832 alleles (0.002%); highest among the groups gnomAD compares: African/African-American, 0.04%; no homozygotes.

Submissions (5):

Women's Health and Genetics/Laboratory Corporation of America, LabCorp
Classification: Uncertain significance. Last evaluated: 2026-01-19. Review status: criteria provided, single submitter. Criteria: LabCorp Variant Classification Summary - May 2015. Collection method: clinical testing. Allele origin: germline.
Comment: Variant summary: NLRC4 c.2876G>C (p.Gly959Ala) results in a non-conservative amino acid change in the encoded protein sequence. Algorithms developed to predict the effect of missense changes on protein structure and function are either unavailable or do not agree on the potential impact of this missense change. The variant allele was found at a frequency of 2.4e-05 in 250906 control chromosomes. The available data on variant occurrences in the general population are insufficient to allow any conclusion about variant significance. To our knowledge, no occurrence of c.2876G>C in individuals affected with NLRC4-related conditions and no experimental evidence demonstrating its impact on protein function have been reported. ClinVar contains an entry for this variant (Variation ID: 971521). Based on the evidence outlined above, the variant was classified as uncertain significance.

Ambry Genetics
Classification: Uncertain significance for Inborn genetic diseases. Last evaluated: 2025-11-12. Review status: criteria provided, single submitter. Criteria: Ambry Variant Classification Scheme 2023. Collection method: clinical testing. Allele origin: germline.

Labcorp Genetics (formerly Invitae), Labcorp
Classification: Uncertain significance for Periodic fever-infantile enterocolitis-autoinflammatory syndrome; Familial cold autoinflammatory syndrome 4. Last evaluated: 2025-03-06. Review status: criteria provided, single submitter. Criteria: Invitae Variant Classification Sherloc (09022015). Collection method: clinical testing. Allele origin: germline.
Comment: This sequence change replaces glycine, which is neutral and non-polar, with alanine, which is neutral and non-polar, at codon 959 of the NLRC4 protein (p.Gly959Ala). This variant is present in population databases (rs147026757, gnomAD 0.04%). This variant has not been reported in the literature in individuals affected with NLRC4-related conditions. ClinVar contains an entry for this variant (Variation ID: 971521). Invitae Evidence Modeling of protein sequence and biophysical properties (such as structural, functional, and spatial information, amino acid conservation, physicochemical variation, residue mobility, and thermodynamic stability) indicates that this missense variant is not expected to disrupt NLRC4 protein function with a negative predictive value of 80%. In summary, the available evidence is currently insufficient to determine the role of this variant in disease. Therefore, it has been classified as a Variant of Uncertain Significance.

Blueprint Genetics
Classification: Likely benign. Last evaluated: 2023-09-14. Review status: criteria provided, single submitter. Criteria: ACMG Guidelines, 2015. Collection method: clinical testing. Allele origin: germline.

GeneDx
Classification: Uncertain significance. Last evaluated: 2020-01-08. Review status: criteria provided, single submitter. Criteria: GeneDx Variant Classification Process June 2021. Collection method: clinical testing. Allele origin: germline. Affected: yes.
Comment: Has not been previously published as pathogenic or benign to our knowledge; In silico analysis, which includes protein predictors and evolutionary conservation, supports that this variant does not alter protein structure/function